The following is an entry in ClinVar:

ClinVar aggregate classification (germline): Uncertain significance (1 of 4 stars; one submission).

Conditions:
LOXHD1-related disorder. Also called: LOXHD1-related condition.

Submission:

PreventionGenetics, part of Exact Sciences
Classification: Uncertain significance for LOXHD1-related condition. Last evaluated: 2026-08-14. Review status: criteria provided, single submitter. Criteria: ACMG Guidelines, 2015. Collection method: clinical testing. Allele origin: germline.
Comment: The LOXHD1 c.2099C>T variant is predicted to result in the amino acid substitution p.Thr700Met. To our knowledge, this variant has not been reported in the literature. This variant is reported in 0.013% of alleles in individuals of South Asian descent in gnomAD. At this time, the clinical significance of this variant is uncertain due to the absence of conclusive functional and genetic evidence.

NM_001384474.1(LOXHD1):c.2099C>T (p.Thr700Met)

Gene: LOXHD1 (lipoxygenase homology PLAT domains 1; minus strand). Cytogenetic location: 18q21.1.
Variant type: single nucleotide variant.
Coding change: c.2099C>T on transcript NM_001384474.1 (MANE Select); coding-DNA position 2099, C replaced by T.
Protein change: p.Thr700Met; replaces threonine 700 with methionine.
Molecular consequence: missense variant.
Genome position (GRCh38, 1-based): chr18:46,569,587, G>A on the plus strand (C>T on the coding strand, the complement: LOXHD1 is on the minus strand). VCF-style: chr18-46569587-G-A. GRCh37 (hg19) VCF-style: chr18-44149550-G-A.
Other names: c.2099C>T, p.Thr700Met (NM_144612.7); short protein forms T700M.
Identifiers: ClinVar variation 4982861 (VCV004982861.1).